The following is an entry in ClinVar:

ClinVar aggregate classification (germline): Conflicting classifications of pathogenicity. Review status: criteria provided, conflicting classifications (1 of 4 stars). 5 submissions from 5 submitters: Uncertain significance (3); Likely benign (1). 1 of the submissions does not count toward it. Last evaluated 2025-07-09.

Conditions:
CDKN1C-related disorder. Also called: CDKN1C-related condition.
Inborn genetic diseases. Identifiers: MedGen C0950123, MeSH D030342.
Beckwith-Wiedemann syndrome (BWS). Also called: EMG SYNDROME; Exomphalos macroglossia gigantism syndrome. Identifiers: Orphanet 116, MedGen C0004903, MONDO:0007534, OMIM 130650.
IMAGe syndrome. Also called: Intrauterine Growth Restriction, Metaphyseal Dysplasia, Adrenal Hypoplasia Congenita, and Genital Anomalies; Intrauterine growth retardation, metaphyseal dysplasia, adrenal hypoplasia congenita, and genital anomalies. Identifiers: Orphanet 85173, MedGen C1846009, MONDO:0013873, OMIM 614732.

Allele frequency attached by ClinVar (database versions not stated): gnomAD exomes 0.00004; ExAC 0.00012; gnomAD 0.00012 and 0.00013; TOPMed 0.00014; 1000 Genomes Project 30x 0.00016; 1000 Genomes Project 0.00020; ESP Exome Variant Server 0.00040.
gnomAD v4.1: 38 of 1,544,700 alleles (0.0025%); highest among the groups gnomAD compares: African/African-American, 0.042%; no homozygotes.

Submissions (5):

Labcorp Genetics (formerly Invitae), Labcorp
Classification: Uncertain significance for Beckwith-Wiedemann syndrome. Last evaluated: 2025-07-09. Review status: criteria provided, single submitter. Criteria: Invitae Variant Classification Sherloc (09022015). Collection method: clinical testing. Allele origin: germline.
Comment: This sequence change replaces arginine, which is basic and polar, with cysteine, which is neutral and slightly polar, at codon 7 of the CDKN1C protein (p.Arg7Cys). This variant is present in population databases (rs374634184, gnomAD 0.07%), and has an allele count higher than expected for a pathogenic variant. This variant has not been reported in the literature in individuals affected with CDKN1C-related conditions. ClinVar contains an entry for this variant (Variation ID: 404257). An algorithm developed to predict the effect of missense changes on protein structure and function outputs the following: PolyPhen-2: "Benign". The cysteine amino acid residue is found in multiple mammalian species, which suggests that this missense change does not adversely affect protein function. In summary, the available evidence is currently insufficient to determine the role of this variant in disease. Therefore, it has been classified as a Variant of Uncertain Significance.

Ambry Genetics
Classification: Likely benign for Inborn genetic diseases. Last evaluated: 2024-08-27. Review status: criteria provided, single submitter. Criteria: Ambry Variant Classification Scheme 2023. Collection method: clinical testing. Allele origin: germline.

Fulgent Genetics
Classification: Uncertain significance for Beckwith-Wiedemann syndrome; IMAGe syndrome. Last evaluated: 2024-05-14. Review status: criteria provided, single submitter. Criteria: ACMG Guidelines, 2015. Collection method: clinical testing. Allele origin: germline.

Baylor Genetics
Classification: Uncertain significance for Beckwith-Wiedemann syndrome. Last evaluated: 2022-09-23. Review status: criteria provided, single submitter. Criteria: ACMG Guidelines, 2015. Collection method: clinical testing. Allele origin: unknown.

PreventionGenetics, part of Exact Sciences
Classification: Uncertain significance for CDKN1C-related condition. Last evaluated: 2024-06-28. Review status: no assertion criteria provided. Collection method: clinical testing. Allele origin: germline. Not counted in ClinVar's aggregate classification.
Comment: The CDKN1C c.19C>T variant is predicted to result in the amino acid substitution p.Arg7Cys. To our knowledge, this variant has not been reported in the literature. This variant is reported in 0.065% of alleles in individuals of African descent in gnomAD. At this time, the clinical significance of this variant is uncertain due to the absence of conclusive functional and genetic evidence.

NM_001122630.2(CDKN1C):c.-10-5C>T

Gene: CDKN1C (cyclin dependent kinase inhibitor 1C; minus strand). Cytogenetic location: 11p15.4.
Variant type: single nucleotide variant.
Coding change: c.-10-5C>T on transcript NM_001122630.2 (MANE Select); 5 bases into the intron before 10 bases upstream of the start codon, C replaced by T.
Molecular consequence: intron variant. On other transcripts: missense variant (2).
Genome position (GRCh38, 1-based): chr11:2,885,471, G>A on the plus strand (C>T on the coding strand, the complement: CDKN1C is on the minus strand). VCF-style: chr11-2885471-G-A. GRCh37 (hg19) VCF-style: chr11-2906701-G-A.
Other names: c.19C>T, p.Arg7Cys (NM_000076.2, NM_001362474.2, LRG_533t1); c.-10-5C>T (NM_001362475.2, NM_001122631.2); short protein forms R7C.
Identifiers: ClinVar variation 404257 (VCV000404257.15), dbSNP rs374634184, ClinGen allele CA5822251.